The following is an entry in ClinVar:

ClinVar aggregate classification (germline): Conflicting classifications of pathogenicity. Review status: criteria provided, conflicting classifications (1 of 4 stars). 2 submissions from 2 submitters: Likely pathogenic (1); Uncertain significance (1). Last evaluated 2024-03-17.

Conditions:
RYR1-related disorder. Also called: RYR1-related condition; RYR1-related disorders. Identifiers: MedGen CN239331.
Central core myopathy (CMYO1A). Also called: CONGENITAL MYOPATHY 1A, AUTOSOMAL DOMINANT, WITH SUSCEPTIBILITY TO MALIGNANT HYPERTHERMIA; Central core disease; Myopathy, central fibrillar. Identifiers: Orphanet 597, MedGen C5830701, MONDO:0007294, OMIM 117000.

Submissions (2):

Genomic Medicine Center of Excellence, King Faisal Specialist Hospital and Research Centre
Classification: Likely pathogenic for Central core myopathy. Last evaluated: 2024-03-17. Review status: criteria provided, single submitter. Criteria: ACMG Guidelines, 2015. Collection method: research. Allele origin: germline.

Labcorp Genetics (formerly Invitae), Labcorp
Classification: Uncertain significance for RYR1-related disorder. Last evaluated: 2022-09-17. Review status: criteria provided, single submitter. Criteria: Invitae Variant Classification Sherloc (09022015). Collection method: clinical testing. Allele origin: germline.
Comment: Advanced modeling of protein sequence and biophysical properties (such as structural, functional, and spatial information, amino acid conservation, physicochemical variation, residue mobility, and thermodynamic stability) performed at Invitae indicates that this missense variant is expected to disrupt RYR1 protein function. In summary, the available evidence is currently insufficient to determine the role of this variant in disease. Therefore, it has been classified as a Variant of Uncertain Significance. This variant has not been reported in the literature in individuals affected with RYR1-related conditions. This variant is not present in population databases (gnomAD no frequency). This sequence change replaces histidine, which is basic and polar, with arginine, which is basic and polar, at codon 878 of the RYR1 protein (p.His878Arg).

NM_000540.3(RYR1):c.2633A>G (p.His878Arg)

Gene: RYR1 (ryanodine receptor 1; plus strand). Cytogenetic location: 19q13.2.
Variant type: single nucleotide variant.
Coding change: c.2633A>G on transcript NM_000540.3 (MANE Select); coding-DNA position 2633, A replaced by G.
Protein change: p.His878Arg; replaces histidine 878 with arginine.
Molecular consequence: missense variant.
Genome position (GRCh38, 1-based): chr19:38,463,478, A>G. VCF-style: chr19-38463478-A-G. GRCh37 (hg19) VCF-style: chr19-38954118-A-G.
Other names: c.2633A>G, p.His878Arg (NM_001042723.2); short protein forms H878R.
Identifiers: ClinVar variation 1933235 (VCV001933235.7), dbSNP rs2514074117, ClinGen allele CA405631967.
Genomic context (GRCh38, chr19:38,463,478, plus strand): 5'-TCTAGATTGTCCTGCCGCCCCATCTGGAGCGCATTCGGGAGAAGCTGGCGGAGAACATCC[A>G]CGAGCTCTGGGCGCTAACCCGCATCGAGCAGGGCTGGACCTACGGCCCGGTGAGGGGCTG-3'
Protein context (NP_000531.2, residues 868-888): RIREKLAENI[His878Arg]ELWALTRIEQ